The following is an entry in ClinVar:

NM_006514.4(SCN10A):c.5243G>C (p.Trp1748Ser)

Gene: SCN10A (sodium voltage-gated channel alpha subunit 10; minus strand). Cytogenetic location: 3p22.2.
Variant type: single nucleotide variant.
Coding change: c.5243G>C on transcript NM_006514.4 (MANE Select); coding-DNA position 5243, G replaced by C.
Protein change: p.Trp1748Ser; replaces tryptophan 1748 with serine.
Molecular consequence: missense variant.
Genome position (GRCh38, 1-based): chr3:38,697,977, C>G on the plus strand (G>C on the coding strand, the complement: SCN10A is on the minus strand). VCF-style: chr3-38697977-C-G. GRCh37 (hg19) VCF-style: chr3-38739468-C-G.
Other names: c.5240G>C, p.Trp1747Ser (NM_001293306.2); c.4949G>C, p.Trp1650Ser (NM_001293307.2); short protein forms W1748S, W1650S, W1747S.
Identifiers: ClinVar variation 424506 (VCV000424506.2), dbSNP rs1064797008, ClinGen allele CA16617954.
Genomic context (GRCh38, chr3:38,697,977, plus strand): 5'-GCAAAGTCCGAGAGAGCAGAAAAGGTAATAAACTGAGTGGCCTCTGGGTCAAACTTCTCC[C>G]AGGTCTCATAGAACATGTCAAAGTCGTCCTCACTCAGGGGCTCAGTGCTCTCCTCCGTGG-3'
Protein context (NP_006505.4, residues 1738-1758): EDDFDMFYET[Trp1748Ser]EKFDPEATQF

ClinVar aggregate classification (germline): Uncertain significance (1 of 4 stars; one submission).

Submission:

GeneDx
Classification: Uncertain significance. Last evaluated: 2017-03-23. Review status: criteria provided, single submitter. Criteria: GeneDx Variant Classification (06012015). Collection method: clinical testing. Allele origin: germline. Affected: yes.
Comment: A variant of uncertain significance has been identified in the SCN10A gene. The W1748S variant has not been published as pathogenic or been reported as benign to our knowledge. This variant is not observed in large population cohorts (Lek et al., 2016; 1000 Genomes Consortium et al., 2015; Exome Variant Server). The W1748S variant is a non-conservative amino acid substitution, which is likely to impact secondary protein structure as these residues differ in polarity, charge, size and/or other properties. This substitution occurs at a position that is conserved across species, and in silico analysis predicts this variant is probably damaging to the protein structure/function. However, to our knowledge no studies have been performed to determine the functional effect of the W1748S variant.